The following is an entry in ClinVar:

ClinVar aggregate classification (germline): Uncertain significance (1 of 4 stars; one submission).

Allele frequency attached by ClinVar (database versions not stated): gnomAD exomes 0.00001 and below 0.00001; ExAC 0.00002; gnomAD 0.00002 and 0.00003; TOPMed 0.00003.
gnomAD v4.1: 8 of 1,602,520 alleles (0.0005%); highest among the groups gnomAD compares: Non-Finnish European, 0.00068%; no homozygotes.

Submission:

Labcorp Genetics (formerly Invitae), Labcorp
Classification: Uncertain significance. Last evaluated: 2025-09-03. Review status: criteria provided, single submitter. Criteria: Invitae Variant Classification Sherloc (09022015). Collection method: clinical testing. Allele origin: germline.
Comment: This sequence change replaces threonine, which is neutral and polar, with serine, which is neutral and polar, at codon 925 of the KIF11 protein (p.Thr925Ser). This variant is present in population databases (rs771728627, gnomAD 0.003%). This variant has not been reported in the literature in individuals affected with KIF11-related conditions. ClinVar contains an entry for this variant (Variation ID: 1476807). Invitae Evidence Modeling of protein sequence and biophysical properties (such as structural, functional, and spatial information, amino acid conservation, physicochemical variation, residue mobility, and thermodynamic stability) indicates that this missense variant is not expected to disrupt KIF11 protein function with a negative predictive value of 95%. In summary, the available evidence is currently insufficient to determine the role of this variant in disease. Therefore, it has been classified as a Variant of Uncertain Significance.

NM_004523.4(KIF11):c.2773A>T (p.Thr925Ser)

Gene: KIF11 (kinesin family member 11; plus strand). Cytogenetic location: 10q23.33.
Variant type: single nucleotide variant.
Coding change: c.2773A>T on transcript NM_004523.4 (MANE Select); coding-DNA position 2773, A replaced by T.
Protein change: p.Thr925Ser; replaces threonine 925 with serine.
Molecular consequence: missense variant.
Genome position (GRCh38, 1-based): chr10:92,649,837, A>T. VCF-style: chr10-92649837-A-T. GRCh37 (hg19) VCF-style: chr10-94409594-A-T.
Other names: short protein forms T925S.
Identifiers: ClinVar variation 1476807 (VCV001476807.6), dbSNP rs771728627, ClinGen allele CA5604465.